The following is an entry in ClinVar:

NM_003108.4(SOX11):c.76T>C (p.Phe26Leu)

Gene: SOX11 (SRY-box transcription factor 11; plus strand). Cytogenetic location: 2p25.2.
Variant type: single nucleotide variant.
Coding change: c.76T>C on transcript NM_003108.4 (MANE Select); coding-DNA position 76, T replaced by C.
Protein change: p.Phe26Leu; replaces phenylalanine 26 with leucine.
Molecular consequence: missense variant.
Genome position (GRCh38, 1-based): chr2:5,692,797, T>C. VCF-style: chr2-5692797-T-C. GRCh37 (hg19) VCF-style: chr2-5832929-T-C.
Other names: short protein forms F26L.
Identifiers: ClinVar variation 4686860 (VCV004686860.1).
Genomic context (GRCh38, chr2:5,692,797, plus strand): 5'-GAGAGCTTGGAAGCGGAGAGCAACCTGCCCCGGGAGGCGCTGGACACGGAGGAGGGCGAA[T>C]TCATGGCTTGCAGCCCGGTGGCCCTGGACGAGAGCGACCCAGACTGGTGCAAGACGGCGT-3'
Protein context (NP_003099.1, residues 16-36): REALDTEEGE[Phe26Leu]MACSPVALDE

ClinVar aggregate classification (germline): Uncertain significance (1 of 4 stars; one submission).

Submission:

GeneDx
Classification: Uncertain significance. Last evaluated: 2025-07-22. Review status: criteria provided, single submitter. Criteria: GeneDx Variant Classification Process June 2021. Collection method: clinical testing. Allele origin: germline. Affected: yes.
Comment: Not observed at significant frequency in large population cohorts (gnomAD); In silico analysis suggests that this missense variant does not alter protein structure/function; Has not been previously published as pathogenic or benign to our knowledge